The following is an entry in ClinVar:

NM_001375567.1(FOCAD):c.3521A>T (p.Asp1174Val)

Gene: FOCAD (focadhesin; plus strand). Cytogenetic location: 9p21.3.
Variant type: single nucleotide variant.
Coding change: c.3521A>T on transcript NM_001375567.1 (MANE Select); coding-DNA position 3521, A replaced by T.
Protein change: p.Asp1174Val; replaces aspartic acid 1174 with valine.
Molecular consequence: missense variant.
Genome position (GRCh38, 1-based): chr9:20,944,740, A>T. VCF-style: chr9-20944740-A-T. GRCh37 (hg19) VCF-style: chr9-20944739-A-T.
Other names: c.3416A>T, p.Asp1139Val (NM_001375568.1, NM_001375570.1); c.3521A>T, p.Asp1174Val (NM_017794.5); short protein forms D1139V, D1174V.
Identifiers: ClinVar variation 4719455 (VCV004719455.1).

ClinVar aggregate classification (germline): Uncertain significance (1 of 4 stars; one submission).

Submission:

Labcorp Genetics (formerly Invitae), Labcorp
Classification: Uncertain significance. Last evaluated: 2025-05-13. Review status: criteria provided, single submitter. Criteria: Invitae Variant Classification Sherloc (09022015). Collection method: clinical testing. Allele origin: germline.
Comment: This sequence change replaces aspartic acid, which is acidic and polar, with valine, which is neutral and non-polar, at codon 1174 of the FOCAD protein (p.Asp1174Val). This variant is not present in population databases (gnomAD no frequency). This variant has not been reported in the literature in individuals affected with FOCAD-related conditions. Experimental studies and prediction algorithms are not available or were not evaluated, and the functional significance of this variant is currently unknown. In summary, the available evidence is currently insufficient to determine the role of this variant in disease. Therefore, it has been classified as a Variant of Uncertain Significance.